The following is an entry in ClinVar:

NM_020297.4(ABCC9):c.2339+17A>T

Gene: ABCC9 (ATP binding cassette subfamily C member 9; minus strand). Cytogenetic location: 12p12.1.
Variant type: single nucleotide variant.
Coding change: c.2339+17A>T on transcript NM_020297.4 (MANE Select); 17 bases into the intron after coding-DNA position 2339, A replaced by T.
Molecular consequence: intron variant.
Genome position (GRCh38, 1-based): chr12:21,862,936, T>A on the plus strand (A>T on the coding strand, the complement: ABCC9 is on the minus strand). VCF-style: chr12-21862936-T-A. GRCh37 (hg19) VCF-style: chr12-22015870-T-A.
Other names: c.1472+17A>T (NM_001377274.1); c.2339+17A>T (NM_005691.4, NM_001377273.1).
Identifiers: ClinVar variation 390971 (VCV000390971.1), dbSNP rs1057523935, ClinGen allele CA16606497.

ClinVar aggregate classification (germline): Likely benign (1 of 4 stars; one submission).

Submission:

GeneDx
Classification: Likely benign. Last evaluated: 2016-11-21. Review status: criteria provided, single submitter. Criteria: GeneDx Variant Classification (06012015). Collection method: clinical testing. Allele origin: germline. Affected: yes.
Comment: This variant is considered likely benign or benign based on one or more of the following criteria: it is a conservative change, it occurs at a poorly conserved position in the protein, it is predicted to be benign by multiple in silico algorithms, and/or has population frequency not consistent with disease.